The following is an entry in ClinVar:

NM_005236.3(ERCC4):c.2474C>T (p.Ala825Val)

Gene: ERCC4 (ERCC excision repair 4, endonuclease catalytic subunit; plus strand). Cytogenetic location: 16p13.12.
Variant type: single nucleotide variant.
Coding change: c.2474C>T on transcript NM_005236.3 (MANE Select); coding-DNA position 2474, C replaced by T.
Protein change: p.Ala825Val; replaces alanine 825 with valine.
Molecular consequence: missense variant.
Genome position (GRCh38, 1-based): chr16:13,948,070, C>T. VCF-style: chr16-13948070-C-T. GRCh37 (hg19) VCF-style: chr16-14041927-C-T.
Other names: short protein forms A825V.
Identifiers: ClinVar variation 852153 (VCV000852153.8), dbSNP rs765253522, ClinGen allele CA394824033.

ClinVar aggregate classification (germline): Uncertain significance (1 of 4 stars; one submission).

Conditions:
Cockayne syndrome. Identifiers: Orphanet 191, MedGen C0009207, MONDO:0016006.
Xeroderma pigmentosum, group F (XPF). Also called: XERODERMA PIGMENTOSUM VI; XP, GROUP F; XERODERMA PIGMENTOSUM, COMPLEMENTATION GROUP F; ERCC4-Related Xeroderma Pigmentosum; XERODERMA PIGMENTOSUM, TYPE F; Xeroderma pigmentosum, type 6. Identifiers: MedGen C0268140, MONDO:0010215, OMIM 278760.
Fanconi anemia complementation group Q. Identifiers: Orphanet 84, MedGen C3808988, MONDO:0014108, OMIM 615272.

gnomAD v4.1: 2 of 1,614,150 alleles (0.00012%); highest among the groups gnomAD compares: Non-Finnish European, 0.00017%; no homozygotes.

Submission:

Labcorp Genetics (formerly Invitae), Labcorp
Classification: Uncertain significance for Fanconi anemia complementation group Q; Xeroderma pigmentosum, group F; Cockayne syndrome. Last evaluated: 2022-03-05. Review status: criteria provided, single submitter. Criteria: Invitae Variant Classification Sherloc (09022015). Collection method: clinical testing. Allele origin: germline.
Comment: This sequence change replaces alanine, which is neutral and non-polar, with valine, which is neutral and non-polar, at codon 825 of the ERCC4 protein (p.Ala825Val). This variant is present in population databases (no rsID available, gnomAD 0.002%). This variant has not been reported in the literature in individuals affected with ERCC4-related conditions. ClinVar contains an entry for this variant (Variation ID: 852153). Algorithms developed to predict the effect of missense changes on protein structure and function (SIFT, PolyPhen-2, Align-GVGD) all suggest that this variant is likely to be tolerated. In summary, the available evidence is currently insufficient to determine the role of this variant in disease. Therefore, it has been classified as a Variant of Uncertain Significance.